The following is an entry in ClinVar:

NM_022089.4(ATP13A2):c.196C>G (p.Arg66Gly)

Gene: ATP13A2 (ATPase cation transporting 13A2; minus strand). Cytogenetic location: 1p36.13.
Variant type: single nucleotide variant.
Coding change: c.196C>G on transcript NM_022089.4 (MANE Select); coding-DNA position 196, C replaced by G.
Protein change: p.Arg66Gly; replaces arginine 66 with glycine.
Molecular consequence: missense variant.
Genome position (GRCh38, 1-based): chr1:17,005,466, G>C on the plus strand (C>G on the coding strand, the complement: ATP13A2 is on the minus strand). VCF-style: chr1-17005466-G-C. GRCh37 (hg19) VCF-style: chr1-17331961-G-C.
Other names: c.196C>G, p.Arg66Gly (NM_001141973.3, NM_001141974.3); short protein forms R66G.
Identifiers: ClinVar variation 2147494 (VCV002147494.2), dbSNP rs768327980, ClinGen allele CA637735.

ClinVar aggregate classification (germline): Uncertain significance (1 of 4 stars; one submission).

Conditions:
Autosomal recessive spastic paraplegia type 78. Identifiers: Orphanet 513436, MedGen C5567893, MONDO:0014975, OMIM 617225.
Kufor-Rakeb syndrome (KRS). Also called: PARKINSON DISEASE 9, AUTOSOMAL RECESSIVE, JUVENILE-ONSET. Identifiers: Orphanet 306674, Orphanet 314632, MedGen C1847640, MONDO:0011706, OMIM 606693.

Allele frequency attached by ClinVar (database versions not stated): ExAC 0.00001.

Submission:

Labcorp Genetics (formerly Invitae), Labcorp
Classification: Uncertain significance for Kufor-Rakeb syndrome; Autosomal recessive spastic paraplegia type 78. Last evaluated: 2023-12-11. Review status: criteria provided, single submitter. Criteria: Invitae Variant Classification Sherloc (09022015). Collection method: clinical testing. Allele origin: germline.
Comment: This sequence change replaces arginine, which is basic and polar, with glycine, which is neutral and non-polar, at codon 66 of the ATP13A2 protein (p.Arg66Gly). This variant is present in population databases (rs768327980, gnomAD 0.0009%). This variant has not been reported in the literature in individuals affected with ATP13A2-related conditions. ClinVar contains an entry for this variant (Variation ID: 2147494). Advanced modeling of protein sequence and biophysical properties (such as structural, functional, and spatial information, amino acid conservation, physicochemical variation, residue mobility, and thermodynamic stability) performed at Invitae indicates that this missense variant is not expected to disrupt ATP13A2 protein function with a negative predictive value of 80%. In summary, the available evidence is currently insufficient to determine the role of this variant in disease. Therefore, it has been classified as a Variant of Uncertain Significance.